The following is an entry in ClinVar:

NC_000016.9:g.(?_138677)_(188286_?)del

Gene: NPRL3 (NPR3 like, GATOR1 complex subunit; minus strand). Cytogenetic location: 16p13.3.
Variant type: Deletion.
Identifiers: ClinVar variation 1076136 (VCV001076136.5).

ClinVar aggregate classification (germline): Pathogenic (1 of 4 stars; one submission).

Conditions:
Epilepsy, familial focal, with variable foci 3 (FFEVF3). Identifiers: MedGen C4310708, MONDO:0014925, OMIM 617118.

Submission:

Labcorp Genetics (formerly Invitae), Labcorp
Classification: Pathogenic for Epilepsy, familial focal, with variable foci 3. Last evaluated: 2020-02-25. Review status: criteria provided, single submitter. Criteria: Invitae Variant Classification Sherloc (09022015). Collection method: clinical testing. Allele origin: germline.
Comment: For these reasons, this variant has been classified as Pathogenic. Loss-of-function variants in NPRL3 are known to be pathogenic (PMID: 26285051, 26505888). This variant has not been reported in the literature in individuals with NPRL3-related conditions. This variant is a gross deletion of the genomic region encompassing exons 2-13 of the NPRL3 gene, which includes the initiator codon. The 5' end of this event is unknown as it extends beyond the assayed region for this gene and therefore may encompass additional genes. The 3' boundary is likely confined to intron 13 of the NPRL3 gene. This is expected to result in an absent or disrupted protein product.

Literature cited by the submitters: PubMed 26285051; PubMed 26505888.